The following is an entry in ClinVar:

ClinVar aggregate classification (germline): Uncertain significance (1 of 4 stars; one submission).

gnomAD v4.1: 3 of 1,606,090 alleles (0.00019%); highest among the groups gnomAD compares: Non-Finnish European, 0.00026%; no homozygotes.

Submission:

GeneDx
Classification: Uncertain significance. Last evaluated: 2024-04-17. Review status: criteria provided, single submitter. Criteria: GeneDx Variant Classification Process June 2021. Collection method: clinical testing. Allele origin: germline. Affected: yes.
Comment: Not observed at significant frequency in large population cohorts (gnomAD); Initiation codon variant in a gene for which loss of function is not a known mechanism of disease; Has not been previously published as pathogenic or benign to our knowledge; Reported using an alternate transcript of the gene

NM_006940.6(SOX5):c.1165-8714A>G

Gene: SOX5 (SRY-box transcription factor 5; minus strand). Cytogenetic location: 12p12.1.
Variant type: single nucleotide variant.
Coding change: c.1165-8714A>G on transcript NM_006940.6 (MANE Select); 8714 bases into the intron before coding-DNA position 1165, A replaced by G.
Molecular consequence: intron variant. On other transcripts: missense variant (1), initiator codon variant (1).
Genome position (GRCh38, 1-based): chr12:23,584,552, T>C on the plus strand (A>G on the coding strand, the complement: SOX5 is on the minus strand). VCF-style: chr12-23584552-T-C. GRCh37 (hg19) VCF-style: chr12-23737486-T-C.
Other names: c.1A>G, p.Met1Val (NM_178010.4); c.1126-8714A>G (NM_152989.5); c.1125+19835A>G (NM_001261414.3); c.1135-8714A>G (NM_001261415.3); c.1060-8714A>G (NM_001330785.2); short protein forms M1V.
Identifiers: ClinVar variation 3372760 (VCV003372760.1).